The following is an entry in ClinVar:

ClinVar aggregate classification (germline): Uncertain significance. Review status: criteria provided, multiple submitters, no conflicts (2 of 4 stars). 7 submissions from 7 submitters: Uncertain significance (7). Last evaluated 2025-10-28.

Conditions:
Autosomal dominant nonsyndromic hearing loss 6 (LFSNHL). Also called: DEAFNESS, AUTOSOMAL DOMINANT 14; DEAFNESS, AUTOSOMAL DOMINANT 38; DEAFNESS, AUTOSOMAL DOMINANT 6; Autosomal dominant nonsyndromic deafness 6. Identifiers: Orphanet 90635, MedGen C1833021, MONDO:0010963, OMIM 600965.
Type 2 diabetes mellitus. Also called: Type II diabetes mellitus. Identifiers: MedGen C0011860, MeSH D003924, MONDO:0005148, OMIM 125853, HP:0005978.
Cataract 41 (CTRCT41). Also called: CATARACT 41, CONGENITAL NUCLEAR TYPE. Identifiers: Orphanet 91492, Orphanet 98991, Orphanet 98992, Orphanet 98995, MedGen C3805412, MONDO:0007287, OMIM 116400.
Wolfram syndrome 1 (WFS1). Identifiers: Orphanet 3463, MedGen C4551693, MONDO:0009101, OMIM 222300.
Wolfram-like syndrome. Also called: HEARING LOSS, PROGRESSIVE, WITH OPTIC ATROPHY AND/OR IMPAIRED GLUCOSE REGULATION. Identifiers: Orphanet 411590, MedGen C3280358, MONDO:0013673, OMIM 614296.

Allele frequency attached by ClinVar (database versions not stated): gnomAD 0.00003 and 0.00002; ExAC 0.00004; 1000 Genomes Project 0.00020; TOPMed 0.00005; 1000 Genomes Project 30x 0.00016; gnomAD exomes 0.00005.
gnomAD v4.1: 62 of 1,612,708 alleles (0.0038%); highest among the groups gnomAD compares: East Asian, 0.013%; no homozygotes.

Submissions (7):

GeneDx
Classification: Uncertain significance. Last evaluated: 2025-10-28. Review status: criteria provided, single submitter. Criteria: GeneDx Variant Classification Process June 2021. Collection method: clinical testing. Allele origin: germline. Affected: yes.
Comment: In silico analysis suggests that this missense variant does not alter protein structure/function; Has not been previously published in association with disease to our knowledge; This variant is associated with the following publications: (PMID: 26435059)

Labcorp Genetics (formerly Invitae), Labcorp
Classification: Uncertain significance. Last evaluated: 2025-04-23. Review status: criteria provided, single submitter. Criteria: Invitae Variant Classification Sherloc (09022015). Collection method: clinical testing. Allele origin: germline.
Comment: This sequence change replaces arginine, which is basic and polar, with cysteine, which is neutral and slightly polar, at codon 791 of the WFS1 protein (p.Arg791Cys). This variant is present in population databases (rs200528166, gnomAD 0.02%). This variant has not been reported in the literature in individuals affected with WFS1-related conditions. ClinVar contains an entry for this variant (Variation ID: 1028468). Invitae Evidence Modeling of protein sequence and biophysical properties (such as structural, functional, and spatial information, amino acid conservation, physicochemical variation, residue mobility, and thermodynamic stability) indicates that this missense variant is not expected to disrupt WFS1 protein function with a negative predictive value of 95%. In summary, the available evidence is currently insufficient to determine the role of this variant in disease. Therefore, it has been classified as a Variant of Uncertain Significance.

Blueprint Genetics
Classification: Uncertain significance. Last evaluated: 2024-06-27. Review status: criteria provided, single submitter. Criteria: ACMG Guidelines, 2015. Collection method: clinical testing. Allele origin: germline.

Genetics and Genomic Medicine Centre, NeuroGen Healthcare, NeuroGen Healthcare
Classification: Uncertain significance for Type 2 diabetes mellitus. Last evaluated: 2023-09-24. Review status: criteria provided, single submitter. Criteria: ACMG Guidelines, 2015. Collection method: clinical testing. Allele origin: unknown. Affected: yes.

Fulgent Genetics
Classification: Uncertain significance for Cataract 41; Type 2 diabetes mellitus; Wolfram syndrome 1; Autosomal dominant nonsyndromic hearing loss 6; Wolfram-like syndrome. Last evaluated: 2022-05-04. Review status: criteria provided, single submitter. Criteria: ACMG Guidelines, 2015. Collection method: clinical testing. Allele origin: unknown.

Baylor Genetics
Classification: Uncertain significance for Autosomal dominant nonsyndromic hearing loss 6. Last evaluated: 2019-05-16. Review status: criteria provided, single submitter. Criteria: ACMG Guidelines, 2015. Collection method: clinical testing. Allele origin: maternal. Affected: yes.
Comment: This variant was determined to be of uncertain significance according to ACMG Guidelines, 2015 [PMID:25741868].

Breakthrough Genomics
Classification: Uncertain significance. Review status: criteria provided, single submitter. Criteria: ACMG Guidelines, 2015. Collection method: not provided. Allele origin: germline. Inheritance: Autosomal recessive inheritance. Affected: yes.

NM_006005.3(WFS1):c.2371C>T (p.Arg791Cys)

Gene: WFS1 (wolframin ER transmembrane glycoprotein; plus strand). Cytogenetic location: 4p16.1.
Variant type: single nucleotide variant.
Coding change: c.2371C>T on transcript NM_006005.3 (MANE Select); coding-DNA position 2371, C replaced by T.
Protein change: p.Arg791Cys; replaces arginine 791 with cysteine.
Molecular consequence: missense variant.
Genome position (GRCh38, 1-based): chr4:6,302,166, C>T. VCF-style: chr4-6302166-C-T. GRCh37 (hg19) VCF-style: chr4-6303893-C-T.
Other names: c.2371C>T, p.Arg791Cys (NM_001145853.1); short protein forms R791C.
Identifiers: ClinVar variation 1028468 (VCV001028468.16), dbSNP rs200528166, ClinGen allele CA2839708.
Genomic context (GRCh38, chr4:6,302,166, plus strand): 5'-GACCGCTACAAGTTTGAGATTACCGTGGGCATGCCATTCAGCAGCGGCGCTGACGGCTCG[C>T]GCAGCCGCGAGGAGGACGACGTCACCAAGGACATCGTGCTGCGGGCCAGCAGCGAGTTCA-3'
Protein context (NP_005996.2, residues 781-801): MPFSSGADGS[Arg791Cys]SREEDDVTKD